The following is an entry in ClinVar:

NM_000038.6(APC):c.1814A>T (p.Asp605Val)

Gene: APC (APC regulator of Wnt signaling pathway; plus strand). Cytogenetic location: 5q22.2.
Variant type: single nucleotide variant.
Coding change: c.1814A>T on transcript NM_000038.6 (MANE Select); coding-DNA position 1814, A replaced by T.
Protein change: p.Asp605Val; replaces aspartic acid 605 with valine.
Molecular consequence: missense variant.
Genome position (GRCh38, 1-based): chr5:112,835,021, A>T. VCF-style: chr5-112835021-A-T. GRCh37 (hg19) VCF-style: chr5-112170718-A-T.
Other names: c.1814A>T, p.Asp605Val (NM_001127510.3, NM_001354895.2); c.1760A>T, p.Asp587Val (NM_001127511.3); c.1868A>T, p.Asp623Val (NM_001354896.2); c.1844A>T, p.Asp615Val (NM_001354897.2); c.1739A>T, p.Asp580Val (NM_001354898.2); c.1730A>T, p.Asp577Val (NM_001354899.2); c.1691A>T, p.Asp564Val (NM_001354900.2); c.1637A>T, p.Asp546Val (NM_001354901.2); and 5 more; short protein forms D322V, D445V, D577V, D580V, D587V, D615V, D479V, D504V.
Identifiers: ClinVar variation 945481 (VCV000945481.11), dbSNP rs1764706048, ClinGen allele CA16025292.

ClinVar aggregate classification (germline): Uncertain significance (1 of 4 stars; one submission).

Conditions:
Familial adenomatous polyposis 1 (FAP1). Also called: POLYPOSIS, ADENOMATOUS INTESTINAL; FAMILIAL ADENOMATOUS POLYPOSIS 1, ATTENUATED. Identifiers: MedGen C2713442, MONDO:0021056, OMIM 175100. Disease mechanism: loss of function.

Submission:

Labcorp Genetics (formerly Invitae), Labcorp
Classification: Uncertain significance for Familial adenomatous polyposis 1. Last evaluated: 2023-02-20. Review status: criteria provided, single submitter. Criteria: Invitae Variant Classification Sherloc (09022015). Collection method: clinical testing. Allele origin: germline.
Comment: This sequence change replaces aspartic acid, which is acidic and polar, with valine, which is neutral and non-polar, at codon 605 of the APC protein (p.Asp605Val). This variant is not present in population databases (gnomAD no frequency). In summary, the available evidence is currently insufficient to determine the role of this variant in disease. Therefore, it has been classified as a Variant of Uncertain Significance. Advanced modeling of protein sequence and biophysical properties (such as structural, functional, and spatial information, amino acid conservation, physicochemical variation, residue mobility, and thermodynamic stability) performed at Invitae indicates that this missense variant is not expected to disrupt APC protein function. ClinVar contains an entry for this variant (Variation ID: 945481). This variant has not been reported in the literature in individuals affected with APC-related conditions.